The following is an entry in ClinVar:

NM_001009944.3(PKD1):c.6589C>T (p.Arg2197Trp)

Gene: PKD1 (polycystin 1, transient receptor potential channel interacting; minus strand). Cytogenetic location: 16p13.3.
Variant type: single nucleotide variant.
Coding change: c.6589C>T on transcript NM_001009944.3 (MANE Select); coding-DNA position 6589, C replaced by T.
Protein change: p.Arg2197Trp; replaces arginine 2197 with tryptophan.
Molecular consequence: missense variant.
Genome position (GRCh38, 1-based): chr16:2,108,578, G>A on the plus strand (C>T on the coding strand, the complement: PKD1 is on the minus strand). VCF-style: chr16-2108578-G-A. GRCh37 (hg19) VCF-style: chr16-2158579-G-A.
Other names: c.6589C>T, p.Arg2197Trp (NM_000296.4); short protein forms R2197W.
Identifiers: ClinVar variation 3054893 (VCV003054893.6), dbSNP rs771638566, ClinGen allele CA7831554.

ClinVar aggregate classification (germline): Conflicting classifications of pathogenicity. Review status: criteria provided, conflicting classifications (1 of 4 stars). 3 submissions from 3 submitters: Uncertain significance (2); Likely benign (1). Last evaluated 2026-03-18.

Conditions:
PKD1-related disorder. Also called: PKD1-related condition.
Polycystic kidney disease, adult type (PKD1). Also called: POLYCYSTIC KIDNEY DISEASE 1 WITH OR WITHOUT POLYCYSTIC LIVER DISEASE; Polycystic Kidney Disease 1, Autosomal Dominant; Polycystic kidney disease 1; Polycystic kidney disease 1, severe; Polycystic Kidney, Autosomal Dominant; POLYCYSTIC KIDNEY DISEASE, ADULT, TYPE I. Identifiers: MedGen C3149841, MONDO:0008263, OMIM 173900.

Allele frequency attached by ClinVar (database versions not stated): ExAC 0.00004.
gnomAD v4.1: 61 of 1,559,354 alleles (0.0039%); highest among the groups gnomAD compares: Admixed American, 0.036%; no homozygotes.

Submissions (3):

Clinical Genomics Laboratory, Washington University in St. Louis
Classification: Uncertain significance for Polycystic kidney disease, adult type. Last evaluated: 2026-03-18. Review status: criteria provided, single submitter. Criteria: ACMG Guidelines, 2015. Collection method: clinical testing. Allele origin: germline.
Comment: The PKD1 c.6589C>T (p.Arg2197Trp) variant, to our knowledge, has not been reported in the medical literature. This variant has been reported in the ClinVar database as a germline variant of uncertain significance. The highest population minor allele frequency in the population database genome aggregation database (v.4.1.0) is 0.0041% in the American population. Computational predictors are uncertain as to the impact of this variant on PKD1 function. Due to limited information, and based on ACMG/AMP guidelines for variant interpretation (Richards S et al., PMID: 25741868), the clinical significance of this variant is uncertain at this time.

PreventionGenetics, part of Exact Sciences
Classification: Likely benign for PKD1-related condition. Last evaluated: 2025-05-16. Review status: criteria provided, single submitter. Criteria: ACMG Guidelines, 2015. Collection method: clinical testing. Allele origin: germline.
Comment: This variant is classified as likely benign based on ACMG/AMP sequence variant interpretation guidelines (Richards et al. 2015 PMID: 25741868, with internal and published modifications).

Juno Genomics, Hangzhou Juno Genomics, Inc
Classification: Uncertain significance for Polycystic kidney disease, adult type. Review status: criteria provided, single submitter. Criteria: ACMG Guidelines, 2015. Collection method: clinical testing. Allele origin: germline.
Comment: Absent from controls (or at extremely low frequency if recessive) in Genome Aggregation Database.